The following is an entry in ClinVar:

NM_005732.4(RAD50):c.2146G>T (p.Glu716Ter)

Gene: RAD50 (RAD50 double strand break repair protein; plus strand). Cytogenetic location: 5q31.1.
Variant type: single nucleotide variant.
Coding change: c.2146G>T on transcript NM_005732.4 (MANE Select); coding-DNA position 2146, G replaced by T.
Protein change: p.Glu716Ter; replaces glutamic acid 716 with a stop codon.
Molecular consequence: nonsense.
Genome position (GRCh38, 1-based): chr5:132,595,749, G>T. VCF-style: chr5-132595749-G-T. GRCh37 (hg19) VCF-style: chr5-131931441-G-T.
Other names: short protein forms E716*.
Identifiers: ClinVar variation 3224958 (VCV003224958.1), dbSNP rs1342521503, ClinGen allele CA360950445.

ClinVar aggregate classification (germline): Pathogenic (1 of 4 stars; one submission).

Conditions:
Hereditary cancer-predisposing syndrome. Also called: Neoplastic Syndromes, Hereditary; Tumor predisposition; Hereditary neoplastic syndrome; Hereditary Cancer Syndrome. Identifiers: Orphanet 140162, MedGen C0027672, MeSH D009386, MONDO:0015356.

gnomAD v4.1: 3 of 1,613,506 alleles (0.00019%); highest among the groups gnomAD compares: Non-Finnish European, 0.00025%; no homozygotes.

Submission:

Ambry Genetics
Classification: Pathogenic for Hereditary cancer-predisposing syndrome. Last evaluated: 2023-11-17. Review status: criteria provided, single submitter. Criteria: Ambry Variant Classification Scheme 2023. Collection method: clinical testing. Allele origin: germline.
Comment: The p.E716* pathogenic mutation (also known as c.2146G>T), located in coding exon 13 of the RAD50 gene, results from a G to T substitution at nucleotide position 2146. This changes the amino acid from a glutamic acid to a stop codon within coding exon 13. This variant is considered to be rare based on population cohorts in the Genome Aggregation Database (gnomAD). This alteration is expected to result in loss of function by premature protein truncation or nonsense-mediated mRNA decay. As such, this alteration is interpreted as a disease-causing mutation.